The following is an entry in ClinVar:

ClinVar aggregate classification (germline): Uncertain significance (1 of 4 stars; one submission).

Conditions:
Cardiomyopathy (CMYO). Also called: Cardiomyopathies. Identifiers: Orphanet 167848, MedGen C0878544, MONDO:0004994, HP:0001638. Inheritance: Various modes of inheritance.

Submission:

Color Diagnostics, LLC DBA Color Health
Classification: Uncertain significance for Cardiomyopathy. Last evaluated: 2025-07-14. Review status: criteria provided, single submitter. Criteria: ACMG Guidelines, 2015. Collection method: clinical testing. Allele origin: germline.
Comment: This variant deletes 2 nucleotides in exon 3 of the MYL3 gene, creating a frameshift and premature translation stop signal. This variant is expected to result in an absent or non-functional protein product. To our knowledge, this variant has not been reported in individuals affected with MYL3-related disorders in the literature. This variant has not been identified in the general population by the Genome Aggregation Database (gnomAD). Clinical relevance of loss-of-function MYL3 truncation variants in autosomal dominant cardiovascular disorders is not clearly established. The available evidence is insufficient to determine the role of this variant in disease conclusively. Therefore, this variant is classified as a Variant of Uncertain Significance.

NM_000258.3(MYL3):c.214_215del (p.Thr72fs)

Gene: MYL3 (myosin light chain 3; minus strand). Cytogenetic location: 3p21.31.
Variant type: Deletion.
Coding change: c.214_215del on transcript NM_000258.3 (MANE Select); coding-DNA positions 214 to 215, 2 bases deleted (AC; older notation c.214_215delAC).
Protein change: p.Thr72fs; shifts the reading frame from threonine 72.
Molecular consequence: frameshift variant.
Genome position (GRCh38, 1-based): chr3:46,860,768-46,860,769, GT deleted on the plus strand (AC on the coding strand, the reverse complement: MYL3 is on the minus strand); deleting any 2 consecutive bases within chr3:46,860,768-46,860,770 gives the same sequence; the c. name uses the placement nearest the transcript's 3' end. VCF-style (leftmost placement, unchanged base first): chr3-46860767-GGT-G. GRCh37 (hg19) VCF-style: chr3-46902257-GGT-G.
Other names: c.214_215del, p.Thr72fs (NM_001406937.1, NM_001406938.1, NM_001406939.1); c.40_41del, p.Thr14fs (NM_001406940.1, NM_001406941.1); short protein forms T14fs, T72fs.
Identifiers: ClinVar variation 4757491 (VCV004757491.1).